The following is an entry in ClinVar:

NC_000002.11:g.(?_219646906)_(219738567_?)del

Genes: WNT6 (Wnt family member 6; plus strand), CYP27A1 (cytochrome P450 family 27 subfamily A member 1; plus strand), PRKAG3 (protein kinase AMP-activated non-catalytic subunit gamma 3; minus strand). Cytogenetic location: 2q35.
Variant type: Deletion.
Identifiers: ClinVar variation 1459325 (VCV001459325.2).

ClinVar aggregate classification (germline): Pathogenic (1 of 4 stars; one submission).

Conditions:
Cholestanol storage disease (CTX). Also called: CTX: Cerebrotendinous xanthomatosis; CEREBRAL CHOLESTERINOSIS; Cerebrotendinous Xanthomatosis. Identifiers: Orphanet 909, MedGen C0238052, MONDO:0008948, OMIM 213700.

Submission:

Labcorp Genetics (formerly Invitae), Labcorp
Classification: Pathogenic for Cholestanol storage disease. Last evaluated: 2023-07-07. Review status: criteria provided, single submitter. Criteria: Invitae Variant Classification Sherloc (09022015). Collection method: clinical testing. Allele origin: germline.
Comment: For these reasons, this variant has been classified as Pathogenic. This variant has not been reported in the literature in individuals affected with CYP27A1-related conditions. A gross deletion of the genomic region encompassing the full coding sequence of the CYP27A1 gene has been identified. Loss-of-function variants in CYP27A1 are known to be pathogenic (PMID: 9392430, 10775536, 26937392). The boundaries of this event are unknown as they extend beyond the assayed region for this gene and therefore may encompass additional genes.

Literature cited by the submitters: PubMed 9392430; PubMed 10775536; PubMed 26937392.